The following is an entry in ClinVar:

NM_001369.3(DNAH5):c.6479C>G (p.Ser2160Ter)

Gene: DNAH5 (dynein axonemal heavy chain 5; minus strand). Cytogenetic location: 5p15.2.
Variant type: single nucleotide variant.
Coding change: c.6479C>G on transcript NM_001369.3 (MANE Select); coding-DNA position 6479, C replaced by G.
Protein change: p.Ser2160Ter; replaces serine 2160 with a stop codon.
Molecular consequence: nonsense.
Genome position (GRCh38, 1-based): chr5:13,824,299, G>C on the plus strand (C>G on the coding strand, the complement: DNAH5 is on the minus strand). VCF-style: chr5-13824299-G-C. GRCh37 (hg19) VCF-style: chr5-13824408-G-C.
Other names: short protein forms S2160*.
Identifiers: ClinVar variation 5012760 (VCV005012760.1).

ClinVar aggregate classification (germline): Pathogenic (1 of 4 stars; one submission).

Conditions:
Primary ciliary dyskinesia 3. Identifiers: Orphanet 244, MedGen C1837618, MONDO:0012085, OMIM 608644.

gnomAD v4.1: 1 of 1,614,056 alleles (0.000062%); highest among the groups gnomAD compares: Non-Finnish European, 0.000085%; no homozygotes.

Submission:

Myriad Genetics, Inc.
Classification: Pathogenic for Primary ciliary dyskinesia 3. Last evaluated: 2024-02-19. Review status: criteria provided, single submitter. Criteria: Myriad Autosomal Dominant, Autosomal Recessive and X-Linked Classification Criteria (2023). Collection method: clinical testing. Allele origin: unknown.
Comment: NM_001369.2(DNAH5):c.6479C>G(S2160*) is expected to be pathogenic in the context of primary ciliary dyskinesia, DNAH5-related. This variant is predicted to lead to an abnormal or absent protein product due to the creation of a premature termination codon in DNAH5, a gene where loss-of-function variants are known to be pathogenic. Please note: this variant was assessed in the context of healthy population screening.